The following is an entry in ClinVar:

ClinVar aggregate classification (germline): Pathogenic. Review status: criteria provided, single submitter (1 of 4 stars). 2 submissions from 2 submitters: Pathogenic (1). 1 of the submissions does not count toward it. Last evaluated 2025-01-03.

Conditions:
Acrodysostosis 1 with or without hormone resistance (ACRDYS1). Also called: ACRODYSOSTOSIS 1 WITH HORMONE RESISTANCE; ACRODYSOSTOSIS 1 WITHOUT HORMONE RESISTANCE; ACRODYSOSTOSIS WITH HORMONE RESISTANCE. Identifiers: Orphanet 280651, MedGen C3276228, MONDO:0007044, OMIM 101800.

Submissions (2):

GeneDx
Classification: Pathogenic. Last evaluated: 2025-01-03. Review status: criteria provided, single submitter. Criteria: GeneDx Variant Classification Process June 2021. Collection method: clinical testing. Allele origin: germline. Affected: yes.
Comment: Not observed at significant frequency in large population cohorts (gnomAD); In silico analysis supports that this missense variant has a deleterious effect on protein structure/function; This variant is associated with the following publications: (PMID: 24363928, 22464252)

OMIM
Classification: Pathogenic for ACRODYSOSTOSIS 1 WITH HORMONE RESISTANCE. Last evaluated: 2012-04-06. Review status: no assertion criteria provided. Collection method: literature only. Allele origin: germline. Not counted in ClinVar's aggregate classification.

Literature cited by the submitters: PubMed 22464252 (cited by OMIM); PubMed 11200992 (cited by OMIM).

NM_002734.5(PRKAR1A):c.980T>C (p.Ile327Thr)

Gene: PRKAR1A (protein kinase cAMP-dependent type I regulatory subunit alpha; plus strand). Cytogenetic location: 17q24.2.
Variant type: single nucleotide variant.
Coding change: c.980T>C on transcript NM_002734.5 (MANE Select); coding-DNA position 980, T replaced by C.
Protein change: p.Ile327Thr; replaces isoleucine 327 with threonine.
Molecular consequence: missense variant. On other transcripts: intron variant (1).
Genome position (GRCh38, 1-based): chr17:68,530,283, T>C. VCF-style: chr17-68530283-T-C. GRCh37 (hg19) VCF-style: chr17-66526424-T-C.
Other names: c.980T>C (NM_002734.3); c.980T>C, p.Ile327Thr (NM_001276289.2, NM_001278433.2, NM_001369389.1 and 3 more transcripts); c.973+282T>C (NM_001276290.1); short protein forms I327T.
Identifiers: ClinVar variation 29910 (VCV000029910.4), dbSNP rs387906695, ClinGen allele CA128754.